The following is an entry in ClinVar:

NM_001943.5(DSG2):c.2140A>G (p.Met714Val)

Genes: DSG2 (desmoglein 2; plus strand), DSG2-AS1 (DSG2 antisense RNA 1; minus strand). Cytogenetic location: 18q12.1.
Variant type: single nucleotide variant.
Coding change: c.2140A>G on transcript NM_001943.5 (MANE Select); coding-DNA position 2140, A replaced by G.
Protein change: p.Met714Val; replaces methionine 714 with valine.
Molecular consequence: missense variant.
Genome position (GRCh38, 1-based): chr18:31,542,658, A>G. VCF-style: chr18-31542658-A-G. GRCh37 (hg19) VCF-style: chr18-29122621-A-G.
Other names: short protein forms M714V.
Identifiers: ClinVar variation 926497 (VCV000926497.3), dbSNP rs2073276090, ClinGen allele CA402142039.

ClinVar aggregate classification (germline): Uncertain significance (1 of 4 stars; one submission).

Conditions:
Cardiomyopathy (CMYO). Also called: Cardiomyopathies. Identifiers: Orphanet 167848, MedGen C0878544, MONDO:0004994, HP:0001638. Inheritance: Various modes of inheritance.

Submission:

Color Diagnostics, LLC DBA Color Health
Classification: Uncertain significance for Cardiomyopathy. Last evaluated: 2020-01-29. Review status: criteria provided, single submitter. Criteria: ACMG Guidelines, 2015. Collection method: clinical testing. Allele origin: germline.
Comment: This missense variant replaces methionine with valine at codon 714 of the DSG2 protein. Computational prediction suggests that this variant may not impact protein structure and function (internally defined REVEL score threshold <= 0.5, PMID: 27666373). Splice site prediction tools suggest that this variant may not impact RNA splicing. To our knowledge, functional studies have not been performed for this variant. This variant has been reported in an individual affected with noncompaction cardiomyopathy (PMID: 29447731). This variant has not been identified in the general population by the Genome Aggregation Database (gnomAD). The available evidence is insufficient to determine the role of this variant in disease conclusively. Therefore, this variant is classified as a Variant of Uncertain Significance.